The following is an entry in ClinVar:

ClinVar aggregate classification (germline): Uncertain significance. Review status: criteria provided, multiple submitters, no conflicts (2 of 4 stars). 3 submissions from 3 submitters: Uncertain significance (3). Last evaluated 2022-06-29.

Conditions:
Sialuria. Also called: Sialic Acid Storage Disease; SIALURIA, FRENCH TYPE. Identifiers: Orphanet 3166, MedGen C0342853, MONDO:0010028, OMIM 269921.
GNE myopathy (NM). Also called: NONAKA DISTAL MYOPATHY; MYOPATHY, DISTAL, WITH OR WITHOUT RIMMED VACUOLES; INCLUSION BODY MYOPATHY, HEREDITARY, AUTOSOMAL RECESSIVE; INCLUSION BODY MYOPATHY 2, AUTOSOMAL RECESSIVE; IBM 2; Inclusion body myopathy autosomal recessive. Identifiers: Orphanet 602, MedGen C1853926, MONDO:0011603, OMIM 605820.

Submissions (3):

Revvity Omics, Revvity
Classification: Uncertain significance. Last evaluated: 2022-06-29. Review status: criteria provided, single submitter. Criteria: ACMG Guidelines, 2015. Collection method: clinical testing. Allele origin: germline.

Labcorp Genetics (formerly Invitae), Labcorp
Classification: Uncertain significance for Sialuria; GNE myopathy. Last evaluated: 2018-08-30. Review status: criteria provided, single submitter. Criteria: Invitae Variant Classification Sherloc (09022015). Collection method: clinical testing. Allele origin: germline.
Comment: Algorithms developed to predict the effect of missense changes on protein structure and function (SIFT, PolyPhen-2, Align-GVGD) all suggest that this variant is likely to be disruptive, but these predictions have not been confirmed by published functional studies and their clinical significance is uncertain. This variant has not been reported in the literature in individuals with GNE-related disease. ClinVar contains an entry for this variant (Variation ID: 501770). This variant is not present in population databases (ExAC no frequency). This sequence change replaces serine with proline at codon 407 of the GNE protein (p.Ser407Pro). The serine residue is highly conserved and there is a moderate physicochemical difference between serine and proline. In summary, the available evidence is currently insufficient to determine the role of this variant in disease. Therefore, it has been classified as a Variant of Uncertain Significance.

Eurofins Ntd Llc (ga)
Classification: Uncertain significance. Last evaluated: 2017-05-05. Review status: criteria provided, single submitter. Criteria: EGL Classification Definitions 2015. Collection method: clinical testing. Allele origin: germline. Observed: 1 variant allele, 1 heterozygote.

NM_005476.7(GNE):c.1126T>C (p.Ser376Pro)

Gene: GNE (glucosamine (UDP-N-acetyl)-2-epimerase/N-acetylmannosamine kinase; minus strand). Cytogenetic location: 9p13.3.
Variant type: single nucleotide variant.
Coding change: c.1126T>C on transcript NM_005476.7 (MANE Select); coding-DNA position 1126, T replaced by C.
Protein change: p.Ser376Pro; replaces serine 376 with proline.
Molecular consequence: missense variant.
Genome position (GRCh38, 1-based): chr9:36,227,403, A>G on the plus strand (T>C on the coding strand, the complement: GNE is on the minus strand). VCF-style: chr9-36227403-A-G. GRCh37 (hg19) VCF-style: chr9-36227400-A-G.
Other names: c.1219T>C, p.Ser407Pro (NM_001128227.3); c.1126T>C, p.Ser376Pro (NM_001190383.3); c.796T>C, p.Ser266Pro (NM_001190384.3); c.949T>C, p.Ser317Pro (NM_001190388.2, NM_001374798.1); c.973T>C, p.Ser325Pro (NM_001374797.1); short protein forms S376P, S407P, S266P, S325P, S317P.
Identifiers: ClinVar variation 501770 (VCV000501770.16), dbSNP rs1554659760, ClinGen allele CA373429021.